The following is an entry in ClinVar:

NM_212482.4(FN1):c.6468G>A (p.Thr2156=)

Gene: FN1 (fibronectin 1; minus strand). Cytogenetic location: 2q35.
Variant type: single nucleotide variant.
Coding change: c.6468G>A on transcript NM_212482.4 (MANE Select); coding-DNA position 6468, G replaced by A.
Protein change: p.Thr2156=; no amino-acid change (threonine 2156 retained).
Molecular consequence: synonymous variant. On other transcripts: intron variant (3).
Genome position (GRCh38, 1-based): chr2:215,372,155, C>T on the plus strand (G>A on the coding strand, the complement: FN1 is on the minus strand). VCF-style: chr2-215372155-C-T. GRCh37 (hg19) VCF-style: chr2-216236878-C-T.
Other names: c.6468G>A, p.Thr2156= (NM_001306129.2); c.5925G>A, p.Thr1975= (NM_001306131.2, NM_212476.3); c.5850G>A, p.Thr1950= (NM_001306132.2, NM_001365523.2); c.6198G>A, p.Thr2066= (NM_001365517.2, NM_001365521.2); c.6195G>A, p.Thr2065= (NM_001365518.2, NM_002026.4); c.6123G>A, p.Thr2041= (NM_001365519.2, NM_001365522.2); c.6120G>A, p.Thr2040= (NM_001365520.2, NM_212478.3); c.5705-140G>A (NM_212474.3); and 3 more.
Identifiers: ClinVar variation 2887649 (VCV002887649.4), dbSNP rs369921195, ClinGen allele CA2093845.

ClinVar aggregate classification (germline): Likely benign. Review status: criteria provided, multiple submitters, no conflicts (2 of 4 stars). 2 submissions from 2 submitters: Likely benign (2). Last evaluated 2026-01-07.

Conditions:
FN1-related disorder. Also called: FN1-related condition.

Allele frequency attached by ClinVar (database versions not stated): TOPMed 0.00001; ExAC 0.00002; gnomAD 0.00002; gnomAD exomes 0.00004; ESP Exome Variant Server 0.00008.
gnomAD v4.1: 69 of 1,614,090 alleles (0.0043%); highest among the groups gnomAD compares: South Asian, 0.0055%; no homozygotes.

Submissions (2):

PreventionGenetics, part of Exact Sciences
Classification: Likely benign for FN1-related condition. Last evaluated: 2026-01-07. Review status: criteria provided, single submitter. Criteria: ACMG Guidelines, 2015. Collection method: clinical testing. Allele origin: germline.
Comment: This variant is classified as likely benign based on ACMG/AMP sequence variant interpretation guidelines (Richards et al. 2015 PMID: 25741868, with internal and published modifications).

Labcorp Genetics (formerly Invitae), Labcorp
Classification: Likely benign. Last evaluated: 2023-04-17. Review status: criteria provided, single submitter. Criteria: Invitae Variant Classification Sherloc (09022015). Collection method: clinical testing. Allele origin: germline.